The following is an entry in ClinVar:

ClinVar aggregate classification (germline): Uncertain significance (1 of 4 stars; one submission).

Submission:

Labcorp Genetics (formerly Invitae), Labcorp
Classification: Uncertain significance. Last evaluated: 2025-12-16. Review status: criteria provided, single submitter. Criteria: Invitae Variant Classification Sherloc (09022015). Collection method: clinical testing. Allele origin: germline.
Comment: This sequence change replaces valine, which is neutral and non-polar, with alanine, which is neutral and non-polar, at codon 226 of the DGKZ protein (p.Val226Ala). This variant is not present in population databases (gnomAD no frequency). This variant has not been reported in the literature in individuals affected with DGKZ-related conditions. An algorithm developed to predict the effect of missense changes on protein structure and function (PolyPhen-2) suggests that this variant is likely to be tolerated. In summary, the available evidence is currently insufficient to determine the role of this variant in disease. Therefore, it has been classified as a Variant of Uncertain Significance.

NM_001199267.2(DGKZ):c.162-358T>C

Gene: DGKZ (diacylglycerol kinase zeta; plus strand). Cytogenetic location: 11p11.2.
Variant type: single nucleotide variant.
Coding change: c.162-358T>C on transcript NM_001199267.2 (MANE Select); 358 bases into the intron before coding-DNA position 162, T replaced by C.
Molecular consequence: intron variant. On other transcripts: missense variant (1).
Genome position (GRCh38, 1-based): chr11:46,366,933, T>C. VCF-style: chr11-46366933-T-C. GRCh37 (hg19) VCF-style: chr11-46388483-T-C.
Other names: c.677T>C, p.Val226Ala (NM_001105540.2); c.213-358T>C (NM_201532.3); c.177-358T>C (NM_201533.3); c.162-358T>C (NM_001199266.2, NM_003646.4, NM_001199268.2); short protein forms V226A.
Identifiers: ClinVar variation 4728463 (VCV004728463.1).
Genomic context (GRCh38, chr11:46,366,933, plus strand): 5'-GCACCACCGCCGGCACCATGCTGCCCACCCGTGTGCGCCCACTGTCCCGCAGGCGCCAGG[T>C]AGCCCTACGGCGCAAGGCGGCCGGACCCCAGGCCTGGAGCGCCCTGCTCGCGTAGGTATA-3'